The following is an entry in ClinVar:

NM_001394998.1(TANC2):c.2582+8A>G

Gene: TANC2 (tetratricopeptide repeat, ankyrin repeat and coiled-coil containing 2; plus strand). Cytogenetic location: 17q23.3.
Variant type: single nucleotide variant.
Coding change: c.2582+8A>G on transcript NM_001394998.1 (MANE Select); 8 bases into the intron after coding-DNA position 2582, A replaced by G.
Molecular consequence: intron variant.
Genome position (GRCh38, 1-based): chr17:63,355,398, A>G. VCF-style: chr17-63355398-A-G. GRCh37 (hg19) VCF-style: chr17-61432759-A-G.
Other names: c.2360+8A>G (NM_025185.4).
Identifiers: ClinVar variation 787728 (VCV000787728.35), dbSNP rs138001880, ClinGen allele CA8697791.

ClinVar aggregate classification (germline): Benign/Likely benign. Review status: criteria provided, multiple submitters, no conflicts (2 of 4 stars). 2 submissions from 2 submitters: Benign (1); Likely benign (1). Last evaluated 2026-07-01.

Allele frequency attached by ClinVar (database versions not stated): 1000 Genomes Project 30x 0.00031; 1000 Genomes Project 0.00040; gnomAD 0.00205 and 0.00261; TOPMed 0.00233; gnomAD exomes 0.00289 and 0.00300; ESP Exome Variant Server 0.00293; ExAC 0.00445.
gnomAD v4.1: 4,378 of 1,550,790 alleles (0.28%); highest among the groups gnomAD compares: Non-Finnish European, 0.32%; 10 homozygotes.

Submissions (2):

CeGaT Center for Human Genetics Tuebingen
Classification: Likely benign. Last evaluated: 2026-07-01. Review status: criteria provided, single submitter. Criteria: CeGaT Center For Human Genetics Tuebingen Variant Classification Criteria Version 2. Collection method: clinical testing. Allele origin: germline. Affected: yes. Observed: 21 variant alleles.
Comment: TANC2: BP4, BS1

Labcorp Genetics (formerly Invitae), Labcorp
Classification: Benign. Last evaluated: 2018-06-04. Review status: criteria provided, single submitter. Criteria: Invitae Variant Classification Sherloc (09022015). Collection method: clinical testing. Allele origin: germline.